The following is an entry in ClinVar:

ClinVar aggregate classification (germline): Conflicting classifications of pathogenicity. Review status: criteria provided, conflicting classifications (1 of 4 stars). 5 submissions from 5 submitters: Uncertain significance (1); Benign (1); Likely benign (1). 2 of the submissions do not count toward it. Last evaluated 2025-04-28.

Conditions:
CHD7-related disorder. Also called: CHD7-related condition.
Amenorrhea. Identifiers: MedGen C0002453, MONDO:0001836, HP:0000141.
CHARGE syndrome (CHARGE). Also called: Coloboma, heart anomaly, choanal atresia, retardation, genital and ear anomalies; CHARGE association; Hall-Hittner syndrome; Hittner Hirsch Kreh syndrome; CHARGE ASSOCIATION--COLOBOMA, HEART ANOMALY, CHOANAL ATRESIA, RETARDATION, GENITAL AND EAR ANOMALIES. Identifiers: Orphanet 138, MedGen C0265354, MONDO:0008965.
Hypogonadotropic hypogonadism 5 with or without anosmia (KAL5). Also called: HYPOGONADOTROPIC HYPOGONADISM 5 WITH ANOSMIA; HYPOGONADOTROPHIC HYPOGONADISM 5 WITHOUT ANOSMIA; CHD7-Related GnRH Deficiency (Kallmann Syndrome 5). Identifiers: Orphanet 478, MedGen C3552553, MONDO:0012880, OMIM 612370. Disease mechanism: loss of function.
Inborn genetic diseases. Identifiers: MedGen C0950123, MeSH D030342.

Allele frequency attached by ClinVar (database versions not stated): TOPMed 0.00006; gnomAD 0.00009.
gnomAD v4.1: 150 of 1,613,782 alleles (0.0093%); highest among the groups gnomAD compares: Non-Finnish European, 0.012%; no homozygotes.

Submissions (5):

Labcorp Genetics (formerly Invitae), Labcorp
Classification: Benign for CHARGE syndrome. Last evaluated: 2025-04-28. Review status: criteria provided, single submitter. Criteria: Invitae Variant Classification Sherloc (09022015). Collection method: clinical testing. Allele origin: germline.

Fulgent Genetics
Classification: Likely benign for CHD7-related CHARGE syndrome; Hypogonadotropic hypogonadism 5 with or without anosmia. Last evaluated: 2024-04-26. Review status: criteria provided, single submitter. Criteria: ACMG Guidelines, 2015. Collection method: clinical testing. Allele origin: germline.

Ambry Genetics
Classification: Uncertain significance for Inborn genetic diseases. Last evaluated: 2016-10-31. Review status: criteria provided, single submitter. Criteria: Ambry Variant Classification Scheme 2023. Collection method: clinical testing. Allele origin: germline.
Comment: The p.D728H variant (also known as c.2182G>C), located in coding exon 3 of the CHD7 gene, results from a G to C substitution at nucleotide position 2182. The aspartic acid at codon 728 is replaced by histidine, an amino acid with similar properties. This variant was not reported in population based cohorts in the following databases: Database of Single Nucleotide Polymorphisms (dbSNP), NHLBI Exome Sequencing Project (ESP), and 1000 Genomes Project. In the ESP, this variant was not observed in 5907 samples (11814 alleles) with coverage at this position. This amino acid position is not well conserved in available vertebrate species. In addition, the in silico prediction for this alteration is inconclusive. Since supporting evidence is limited at this time, the clinical significance of this alteration remains unclear.

PreventionGenetics, part of Exact Sciences
Classification: Uncertain significance for CHD7-related condition. Last evaluated: 2024-07-16. Review status: no assertion criteria provided. Collection method: clinical testing. Allele origin: germline. Not counted in ClinVar's aggregate classification.
Comment: The CHD7 c.2182G>C variant is predicted to result in the amino acid substitution p.Asp728His. This variant has been reported in one individual with hypothalamic amenorrhea (Delaney et al 2021. PubMed ID: 32870266). This variant is reported in 0.012% of alleles in individuals of European (Non-Finnish) descent in gnomAD. Another missense variant at the same amino acid residue (p.Asp728Asn) has been reported in several individuals with idiopathic hypotrophic hypogonadism, but insufficient information was provided to establish pathogenicity (Li et al. 2020. PubMed ID: 31689711; Sun et al. 2022. PubMed ID: 35047002). At this time, the clinical significance of the p.Asp728His variant is uncertain due to the absence of conclusive functional and genetic evidence.

Yale Center for Mendelian Genomics, Yale University
Classification: Uncertain significance for Amenorrhea. Last evaluated: 2021-03-08. Review status: no assertion criteria provided. Collection method: literature only. Allele origin: unknown. Affected: yes. Observed: 1 heterozygote. Study: Yale Center for Mendelian Genomics. Not counted in ClinVar's aggregate classification.

Literature cited by the submitters: PubMed 21158681 (cited by Ambry Genetics); PubMed 22539353 (cited by Ambry Genetics); PubMed 32870266 (cited by Yale Center for Mendelian Genomics, Yale University).

NM_017780.4(CHD7):c.2182G>C (p.Asp728His)

Gene: CHD7 (chromodomain helicase DNA binding protein 7; plus strand). Cytogenetic location: 8q12.2.
Variant type: single nucleotide variant.
Coding change: c.2182G>C on transcript NM_017780.4 (MANE Select); coding-DNA position 2182, G replaced by C.
Protein change: p.Asp728His; replaces aspartic acid 728 with histidine.
Molecular consequence: missense variant. On other transcripts: intron variant (1).
Genome position (GRCh38, 1-based): chr8:60,795,071, G>C. VCF-style: chr8-60795071-G-C. GRCh37 (hg19) VCF-style: chr8-61707630-G-C.
Other names: c.1716+14021G>C (NM_001316690.1); short protein forms D728H.
Identifiers: ClinVar variation 588393 (VCV000588393.16), dbSNP rs756365280, ClinGen allele CA4759629.